The following is an entry in ClinVar:

NM_001142864.4(PIEZO1):c.6906C>T (p.Arg2302=)

Gene: PIEZO1 (piezo type mechanosensitive ion channel component 1 (Er blood group); minus strand). Cytogenetic location: 16q24.3.
Variant type: single nucleotide variant.
Coding change: c.6906C>T on transcript NM_001142864.4 (MANE Select); coding-DNA position 6906, C replaced by T.
Protein change: p.Arg2302=; no amino-acid change (arginine 2302 retained).
Molecular consequence: synonymous variant.
Genome position (GRCh38, 1-based): chr16:88,716,579, G>A on the plus strand (C>T on the coding strand, the complement: PIEZO1 is on the minus strand). VCF-style: chr16-88716579-G-A. GRCh37 (hg19) VCF-style: chr16-88782987-G-A.
Other names: p.Arg2302=.
Identifiers: ClinVar variation 1679444 (VCV001679444.10), dbSNP rs570953388, ClinGen allele CA8231459.

ClinVar aggregate classification (germline): Likely benign. Review status: criteria provided, multiple submitters, no conflicts (2 of 4 stars). 2 submissions from 2 submitters: Likely benign (2). Last evaluated 2025-06-17.

Allele frequency attached by ClinVar (database versions not stated): 1000 Genomes Project 30x 0.00031; gnomAD exomes 0.00003; TOPMed 0.00009; ExAC 0.00019; gnomAD 0.00009 and 0.00010; 1000 Genomes Project 0.00040.
gnomAD v4.1: 31 of 1,546,004 alleles (0.002%); highest among the groups gnomAD compares: African/African-American, 0.038%; no homozygotes.

Submissions (2):

Mayo Clinic Laboratories, Mayo Clinic
Classification: Likely benign. Last evaluated: 2025-06-17. Review status: criteria provided, single submitter. Criteria: ACMG Guidelines, 2015. Collection method: clinical testing. Allele origin: germline. Observed: 1 variant allele.
Comment: BP4, BP7, PM2_supporting

ARUP Laboratories, Molecular Genetics and Genomics, ARUP Laboratories
Classification: Likely benign. Last evaluated: 2022-03-23. Review status: criteria provided, single submitter. Criteria: ARUP Molecular Germline Variant Investigation Process 2021. Collection method: clinical testing. Allele origin: germline.